The following is an entry in ClinVar:

ClinVar aggregate classification (germline): Uncertain significance. Review status: criteria provided, multiple submitters, no conflicts (2 of 4 stars). 2 submissions from 2 submitters: Uncertain significance (2). Last evaluated 2025-09-22.

Conditions:
Inborn genetic diseases. Identifiers: MedGen C0950123, MeSH D030342.

Allele frequency attached by ClinVar (database versions not stated): gnomAD 0.00007 and 0.00003; TOPMed 0.00010; ESP Exome Variant Server 0.00017; 1000 Genomes Project 30x 0.00031.
gnomAD v4.1: 60 of 1,602,218 alleles (0.0037%); highest among the groups gnomAD compares: East Asian, 0.07%; no homozygotes.

Submissions (2):

Ambry Genetics
Classification: Uncertain significance for Inborn genetic diseases. Last evaluated: 2025-09-22. Review status: criteria provided, single submitter. Criteria: Ambry Variant Classification Scheme 2023. Collection method: clinical testing. Allele origin: germline.

Labcorp Genetics (formerly Invitae), Labcorp
Classification: Uncertain significance. Last evaluated: 2022-10-18. Review status: criteria provided, single submitter. Criteria: Invitae Variant Classification Sherloc (09022015). Collection method: clinical testing. Allele origin: germline.
Comment: This sequence change replaces alanine, which is neutral and non-polar, with valine, which is neutral and non-polar, at codon 75 of the NKX3-2 protein (p.Ala75Val). The frequency data for this variant in the population databases is considered unreliable, as metrics indicate poor data quality at this position in the gnomAD database. This variant has not been reported in the literature in individuals affected with NKX3-2-related conditions. ClinVar contains an entry for this variant (Variation ID: 1436169). Algorithms developed to predict the effect of missense changes on protein structure and function (SIFT, PolyPhen-2, Align-GVGD) all suggest that this variant is likely to be tolerated. In summary, the available evidence is currently insufficient to determine the role of this variant in disease. Therefore, it has been classified as a Variant of Uncertain Significance.

NM_001189.4(NKX3-2):c.224C>T (p.Ala75Val)

Gene: NKX3-2 (NK3 homeobox 2; minus strand). Cytogenetic location: 4p15.33.
Variant type: single nucleotide variant.
Coding change: c.224C>T on transcript NM_001189.4 (MANE Select); coding-DNA position 224, C replaced by T.
Protein change: p.Ala75Val; replaces alanine 75 with valine.
Molecular consequence: missense variant.
Genome position (GRCh38, 1-based): chr4:13,544,191, G>A on the plus strand (C>T on the coding strand, the complement: NKX3-2 is on the minus strand). VCF-style: chr4-13544191-G-A. GRCh37 (hg19) VCF-style: chr4-13545815-G-A.
Other names: c.224C>T (NM_001189.3); short protein forms A75V.
Identifiers: ClinVar variation 1436169 (VCV001436169.5), dbSNP rs374854852, ClinGen allele CA2860458.